The following is an entry in ClinVar:

ClinVar aggregate classification (germline): Uncertain significance. Review status: criteria provided, multiple submitters, no conflicts (2 of 4 stars). 2 submissions from 2 submitters: Uncertain significance (2). Last evaluated 2025-10-09.

Conditions:
Multiple endocrine neoplasia, type 1 (MEN1). Also called: MEA I; MEN I; WERMER SYNDROME; Endocrine adenomatosis multiple; MEN 1. Identifiers: Orphanet 652, MedGen C0025267, MeSH D018761, MONDO:0007540, OMIM 131100.

Submissions (2):

Labcorp Genetics (formerly Invitae), Labcorp
Classification: Uncertain significance for Multiple endocrine neoplasia, type 1. Last evaluated: 2025-10-09. Review status: criteria provided, single submitter. Criteria: Invitae Variant Classification Sherloc (09022015). Collection method: clinical testing. Allele origin: germline.
Comment: This sequence change replaces glutamic acid, which is acidic and polar, with aspartic acid, which is acidic and polar, at codon 448 of the MEN1 protein (p.Glu448Asp). This variant is not present in population databases (gnomAD no frequency). This variant has not been reported in the literature in individuals affected with MEN1-related conditions. ClinVar contains an entry for this variant (Variation ID: 2431755). Invitae Evidence Modeling of protein sequence and biophysical properties (such as structural, functional, and spatial information, amino acid conservation, physicochemical variation, residue mobility, and thermodynamic stability) indicates that this missense variant is not expected to disrupt MEN1 protein function with a negative predictive value of 95%. In summary, the available evidence is currently insufficient to determine the role of this variant in disease. Therefore, it has been classified as a Variant of Uncertain Significance.

Laboratorio de Genetica e Diagnostico Molecular, Hospital Israelita Albert Einstein
Classification: Uncertain significance for Multiple endocrine neoplasia, type 1. Last evaluated: 2023-02-11. Review status: criteria provided, single submitter. Criteria: ACMG Guidelines, 2015. Collection method: clinical testing. Allele origin: germline. Affected: yes. Observed: 1 variant allele.
Comment: ACMG classification criteria: PM2 moderated, PP2 supporting, BP4 supporting

NM_001370259.2(MEN1):c.1344G>T (p.Glu448Asp)

Gene: MEN1 (menin 1; minus strand). Cytogenetic location: 11q13.1.
Variant type: single nucleotide variant.
Coding change: c.1344G>T on transcript NM_001370259.2 (MANE Select); coding-DNA position 1344, G replaced by T.
Protein change: p.Glu448Asp; replaces glutamic acid 448 with aspartic acid.
Molecular consequence: missense variant.
Genome position (GRCh38, 1-based): chr11:64,805,040, C>A on the plus strand (G>T on the coding strand, the complement: MEN1 is on the minus strand). VCF-style: chr11-64805040-C-A. GRCh37 (hg19) VCF-style: chr11-64572512-C-A.
Other names: c.1359G>T, p.Glu453Asp (NM_000244.4, NM_001407145.1, NM_130800.3 and 4 more transcripts); c.1470G>T, p.Glu490Asp (NM_001370251.2, NM_001407142.1, NM_001407143.1 and 1 more transcripts); c.1344G>T, p.Glu448Asp (NM_001370260.2, NM_001370261.2, NM_001407146.1 and 2 more transcripts); c.1239G>T, p.Glu413Asp (NM_001370262.2, NM_001370263.2, NM_001407148.1 and 1 more transcripts); c.1485G>T, p.Glu495Asp (NM_001407150.1); c.1365G>T, p.Glu455Asp (NM_001407151.1); short protein forms E413D, E448D, E453D, E455D, E490D, E495D.
Identifiers: ClinVar variation 2431755 (VCV002431755.2), dbSNP rs371339952, ClinGen allele CA381180042.
Genomic context (GRCh38, chr11:64,805,040, plus strand): 5'-CGTGGCTGCTGTCACCACCTGTAGTGCCCAGACCTCTGTGCAGCTGTCCCTCACCTGTCC[C>A]TCAAAACGGCCTAGGGACTGCACAAGAAAGGTGGCCCAGCCCACATGCAGCACAGGCGTG-3'
Protein context (NP_001357188.2, residues 438-458): TFLVQSLGRF[Glu448Asp]GQVRQKVRIV